The following is an entry in ClinVar:

ClinVar aggregate classification (germline): Uncertain significance (1 of 4 stars; one submission).

Submission:

Labcorp Genetics (formerly Invitae), Labcorp
Classification: Uncertain significance. Last evaluated: 2023-10-02. Review status: criteria provided, single submitter. Criteria: Invitae Variant Classification Sherloc (09022015). Collection method: clinical testing. Allele origin: germline.
Comment: In summary, the available evidence is currently insufficient to determine the role of this variant in disease. Therefore, it has been classified as a Variant of Uncertain Significance. Advanced modeling of protein sequence and biophysical properties (such as structural, functional, and spatial information, amino acid conservation, physicochemical variation, residue mobility, and thermodynamic stability) performed at Invitae indicates that this missense variant is expected to disrupt MUT protein function. This variant has not been reported in the literature in individuals affected with MUT-related conditions. This variant is not present in population databases (gnomAD no frequency). This sequence change replaces isoleucine, which is neutral and non-polar, with methionine, which is neutral and non-polar, at codon 177 of the MUT protein (p.Ile177Met).

NM_000255.4(MMUT):c.531T>G (p.Ile177Met)

Gene: MMUT (methylmalonyl-CoA mutase; minus strand). Cytogenetic location: 6p12.3.
Variant type: single nucleotide variant.
Coding change: c.531T>G on transcript NM_000255.4 (MANE Select); coding-DNA position 531, T replaced by G.
Protein change: p.Ile177Met; replaces isoleucine 177 with methionine.
Molecular consequence: missense variant.
Genome position (GRCh38, 1-based): chr6:49,457,913, A>C on the plus strand (T>G on the coding strand, the complement: MMUT is on the minus strand). VCF-style: chr6-49457913-A-C. GRCh37 (hg19) VCF-style: chr6-49425626-A-C.
Other names: short protein forms I177M.
Identifiers: ClinVar variation 2864574 (VCV002864574.3), dbSNP rs2481347338, ClinGen allele CA364404528.